The following is an entry in ClinVar:

NM_152419.3(HGSNAT):c.1732A>T (p.Asn578Tyr)

Gene: HGSNAT (heparan-alpha-glucosaminide N-acetyltransferase; plus strand). Cytogenetic location: 8p11.21.
Variant type: single nucleotide variant.
Coding change: c.1732A>T on transcript NM_152419.3 (MANE Select); coding-DNA position 1732, A replaced by T.
Protein change: p.Asn578Tyr; replaces asparagine 578 with tyrosine.
Molecular consequence: missense variant.
Genome position (GRCh38, 1-based): chr8:43,199,393, A>T. VCF-style: chr8-43199393-A-T. GRCh37 (hg19) VCF-style: chr8-43054536-A-T.
Other names: c.1819A>T, p.Asn607Tyr (NM_001363227.2); c.1540A>T, p.Asn514Tyr (NM_001363228.2); c.868A>T, p.Asn290Tyr (NM_001363229.2); short protein forms N514Y, N578Y, N607Y, N290Y.
Identifiers: ClinVar variation 2114503 (VCV002114503.4), dbSNP rs2487125629, ClinGen allele CA371121021.

ClinVar aggregate classification (germline): Likely pathogenic (1 of 4 stars; one submission).

Conditions:
Mucopolysaccharidosis, MPS-III-C (MPS3C). Also called: SANFILIPPO SYNDROME C; MPS III C; mucopolysaccharidosis type 3C; MUCOPOLYSACCHARIDOSIS, TYPE IIIC; MPS IIIC (Sanfilippo Syndrome Type C); Mucopolysaccharidosis type IIIC (Sanfilippo C). Identifiers: Orphanet 581, Orphanet 79271, MedGen C0086649, MONDO:0009657, OMIM 252930.
Retinitis pigmentosa 73 (RP73). Identifiers: Orphanet 791, MedGen C4225287, MONDO:0014687, OMIM 616544.

Allele frequency attached by ClinVar (database versions not stated): gnomAD exomes below 0.00001.
gnomAD v4.1: 1 of 1,590,734 alleles (0.000063%); highest among the groups gnomAD compares: Non-Finnish European, 0.000086%; no homozygotes.

Submission:

Labcorp Genetics (formerly Invitae), Labcorp
Classification: Likely pathogenic for Retinitis pigmentosa 73; Mucopolysaccharidosis, MPS-III-C. Last evaluated: 2025-03-17. Review status: criteria provided, single submitter. Criteria: Invitae Variant Classification Sherloc (09022015). Collection method: clinical testing. Allele origin: germline.
Comment: This sequence change replaces asparagine, which is neutral and polar, with tyrosine, which is neutral and polar, at codon 578 of the HGSNAT protein (p.Asn578Tyr). This variant is not present in population databases (gnomAD no frequency). This missense change has been observed in individual(s) with autosomal recessive retinitis pigmentosa (internal data). In at least one individual the data is consistent with being in trans (on the opposite chromosome) from a pathogenic variant. ClinVar contains an entry for this variant (Variation ID: 2114503). Invitae Evidence Modeling of protein sequence and biophysical properties (such as structural, functional, and spatial information, amino acid conservation, physicochemical variation, residue mobility, and thermodynamic stability) indicates that this missense variant is expected to disrupt HGSNAT protein function with a positive predictive value of 95%. In summary, the currently available evidence indicates that the variant is pathogenic, but additional data are needed to prove that conclusively. Therefore, this variant has been classified as Likely Pathogenic.